The following is an entry in ClinVar:

NM_001267550.2(TTN):c.41061del (p.Glu13688fs)

Gene: TTN (titin; minus strand). Cytogenetic location: 2q31.2.
Variant type: Deletion.
Coding change: c.41061del on transcript NM_001267550.2 (MANE Select); coding-DNA position 41061, one base deleted (A; older notation c.41061delA).
Protein change: p.Glu13688fs; shifts the reading frame from glutamic acid 13688.
Molecular consequence: frameshift variant.
Genome position (GRCh38, 1-based): chr2:178,636,666, T deleted on the plus strand (A on the coding strand, the reverse complement: TTN is on the minus strand); the first of 3 consecutive T bases (chr2:178,636,666-178,636,668); deleting any one gives the same sequence. VCF-style (leftmost placement, unchanged base first): chr2-178636665-CT-C. GRCh37 (hg19) VCF-style: chr2-179501392-CT-C.
Other names: c.36138del, p.Glu12047fs (NM_001256850.1); c.41059delA, p.Glu13688Lysfs (NM_001267550.1); c.13866del, p.Glu4623fs (NM_003319.4); c.33357del, p.Glu11120fs (NM_133378.4); c.14241del, p.Glu4748fs (NM_133432.3); c.14442del, p.Glu4815fs (NM_133437.4); short protein forms E11120fs, E12047fs, E13688fs, E4623fs, E4748fs, E4815fs.
Identifiers: ClinVar variation 4540348 (VCV004540348.2).
Genomic context (GRCh38, chr2:178,636,665, plus strand): 5'-ATTCAAAGATTGCTGAAGAGCCAACGAACTCTGATTCTGTCAAGATGATGTCTTTGATTT[CT>C]TTCACAAACTTCAGTGGCACAGCCTTTAGCTGGTAGGTGAACGGGGCTTCATCAGGAGGT-3'

ClinVar aggregate classification (germline): Likely pathogenic (1 of 4 stars; one submission).

Submission:

GeneDx
Classification: Likely pathogenic. Last evaluated: 2026-01-15. Review status: criteria provided, single submitter. Criteria: GeneDx Variant Classification Process June 2021. Collection method: clinical testing. Allele origin: germline.
Comment: Not observed at significant frequency in large population cohorts (gnomAD); Located in a specific region of the I-band within TTN for which truncating variants are significantly associated with autosomal dominant cardiomyopathy and also with autosomal recessive skeletal myopathies (PMID: 27625338, 27869827, 32778822); Has not been previously published as pathogenic or benign to our knowledge; This variant is associated with the following publications: (PMID: 27625338, 27869827, 32778822)